The following is an entry in ClinVar:

NM_001077525.3(MTMR14):c.1128-3C>T

Gene: MTMR14 (myotubularin related protein 14; plus strand). Cytogenetic location: 3p25.3.
Variant type: single nucleotide variant.
Coding change: c.1128-3C>T on transcript NM_001077525.3 (MANE Select); 3 bases into the intron before coding-DNA position 1128, C replaced by T.
Molecular consequence: intron variant.
Genome position (GRCh38, 1-based): chr3:9,685,208, C>T. VCF-style: chr3-9685208-C-T. GRCh37 (hg19) VCF-style: chr3-9726892-C-T.
Other names: c.1197-3C>T (NM_001400518.1, NM_001400521.1); c.1122-3C>T (NM_001400526.1); c.486-3C>T (NM_001400542.1, NM_001400534.1, NM_001400541.1 and 7 more transcripts); c.1128-3C>T (NM_001077526.3, NM_022485.5); c.1053-3C>T (NM_001400520.1, NM_001400523.1, NM_001400528.1); c.267-3C>T (NM_001400547.1, NM_001400548.1, NM_001400544.1 and 1 more transcripts); c.1125-3C>T (NM_001400519.1, NM_001400522.1); c.411-3C>T (NM_001400538.1, NM_001400549.1); and 5 more.
Identifiers: ClinVar variation 3670563 (VCV003670563.3).

ClinVar aggregate classification (germline): Uncertain significance (1 of 4 stars; one submission).

gnomAD v4.1: 142 of 1,614,108 alleles (0.0088%); highest among the groups gnomAD compares: East Asian, 0.31%; 1 homozygote.

Submissions (2):

Labcorp Genetics (formerly Invitae), Labcorp
Classification: Uncertain significance. Last evaluated: 2025-02-03. Review status: criteria provided, single submitter. Criteria: Invitae Variant Classification Sherloc (09022015). Collection method: clinical testing. Allele origin: germline.
Comment: This sequence change falls in intron 12 of the MTMR14 gene. It does not directly change the encoded amino acid sequence of the MTMR14 protein. It affects a nucleotide within the consensus splice site. This variant is present in population databases (rs147105261, gnomAD 0.1%), and has an allele count higher than expected for a pathogenic variant. This variant has not been reported in the literature in individuals affected with MTMR14-related conditions. Variants that disrupt the consensus splice site are a relatively common cause of aberrant splicing (PMID: 17576681, 9536098). Algorithms developed to predict the effect of sequence changes on RNA splicing suggest that this variant is not likely to affect RNA splicing. In summary, the available evidence is currently insufficient to determine the role of this variant in disease. Therefore, it has been classified as a Variant of Uncertain Significance.

Dr. Peter K. Rogan Lab, Western University
No classification provided (evidence only). Condition: Hepatocellular carcinoma. Review status: no classification provided. Collection method: in vitro. Allele origin: not applicable. Functional consequence: retained intron. Not counted in ClinVar's aggregate classification.

Literature cited by the submitters: PubMed 17576681 (cited by Labcorp Genetics (formerly Invitae), Labcorp); PubMed 9536098 (cited by Labcorp Genetics (formerly Invitae), Labcorp).